The following is an entry in ClinVar:

NM_016284.5(CNOT1):c.727T>A (p.Ser243Thr)

Gene: CNOT1 (CCR4-NOT transcription complex subunit 1; minus strand). Cytogenetic location: 16q21.
Variant type: single nucleotide variant.
Coding change: c.727T>A on transcript NM_016284.5 (MANE Select); coding-DNA position 727, T replaced by A.
Protein change: p.Ser243Thr; replaces serine 243 with threonine.
Molecular consequence: missense variant. On other transcripts: non-coding transcript variant (1).
Genome position (GRCh38, 1-based): chr16:58,585,417, A>T on the plus strand (T>A on the coding strand, the complement: CNOT1 is on the minus strand). VCF-style: chr16-58585417-A-T. GRCh37 (hg19) VCF-style: chr16-58619321-A-T.
Other names: c.727T>A, p.Ser243Thr (NM_001265612.2, NM_206999.3); short protein forms S243T.
Identifiers: ClinVar variation 1935289 (VCV001935289.5), dbSNP rs745515011, ClinGen allele CA8090091.

ClinVar aggregate classification (germline): Uncertain significance (1 of 4 stars; one submission).

Allele frequency attached by ClinVar (database versions not stated): ExAC 0.00001; gnomAD exomes 0.00001; gnomAD 0.00002.
gnomAD v4.1: 20 of 1,613,786 alleles (0.0012%); highest among the groups gnomAD compares: Non-Finnish European, 0.0017%; no homozygotes.

Submission:

Labcorp Genetics (formerly Invitae), Labcorp
Classification: Uncertain significance. Last evaluated: 2026-01-22. Review status: criteria provided, single submitter. Criteria: Invitae Variant Classification Sherloc (09022015). Collection method: clinical testing. Allele origin: germline.
Comment: This sequence change replaces serine, which is neutral and polar, with threonine, which is neutral and polar, at codon 243 of the CNOT1 protein (p.Ser243Thr). This variant is present in population databases (rs745515011, gnomAD 0.003%). This variant has not been reported in the literature in individuals affected with CNOT1-related conditions. ClinVar contains an entry for this variant (Variation ID: 1935289). An algorithm developed to predict the effect of missense changes on protein structure and function (PolyPhen-2) suggests that this variant is likely to be tolerated. In summary, the available evidence is currently insufficient to determine the role of this variant in disease. Therefore, it has been classified as a Variant of Uncertain Significance.